The following is an entry in ClinVar:

NM_182493.3(MYLK3):c.301C>T (p.Gln101Ter)

Gene: MYLK3 (myosin light chain kinase 3; minus strand). Cytogenetic location: 16q11.2.
Variant type: single nucleotide variant.
Coding change: c.301C>T on transcript NM_182493.3 (MANE Select); coding-DNA position 301, C replaced by T.
Protein change: p.Gln101Ter; replaces glutamine 101 with a stop codon.
Molecular consequence: nonsense. On other transcripts: intron variant (1).
Genome position (GRCh38, 1-based): chr16:46,747,893, G>A on the plus strand (C>T on the coding strand, the complement: MYLK3 is on the minus strand). VCF-style: chr16-46747893-G-A. GRCh37 (hg19) VCF-style: chr16-46781805-G-A.
Other names: c.-113-7746C>T (NM_001308301.1); short protein forms Q101*.
Identifiers: ClinVar variation 3620037 (VCV003620037.2).
Genomic context (GRCh38, chr16:46,747,893, plus strand): 5'-CCGCAGCCACCATCCTGAAGAGGGCCTCCAGCCTGGCACCGTGCTGGGCCGCATCCTGCT[G>A]CATGGCCCTCACCAGCTCCAGGACCTCGGGCCACCCAGCCTGGGTGTCAATGTGGGGAAC-3'

ClinVar aggregate classification (germline): Uncertain significance (1 of 4 stars; one submission).

gnomAD v4.1: 3 of 1,613,926 alleles (0.00019%); highest among the groups gnomAD compares: Admixed American, 0.005%; no homozygotes.

Submission:

Labcorp Genetics (formerly Invitae), Labcorp
Classification: Uncertain significance. Last evaluated: 2024-10-18. Review status: criteria provided, single submitter. Criteria: Invitae Variant Classification Sherloc (09022015). Collection method: clinical testing. Allele origin: germline.
Comment: This sequence change creates a premature translational stop signal (p.Gln101*) in the MYLK3 gene. It is expected to result in an absent or disrupted protein product. However, the current clinical and genetic evidence is not sufficient to establish whether loss-of-function variants in MYLK3 cause disease. This variant is present in population databases (no rsID available, gnomAD 0.003%). This variant has not been reported in the literature in individuals affected with MYLK3-related conditions. In summary, the available evidence is currently insufficient to determine the role of this variant in disease. Therefore, it has been classified as a Variant of Uncertain Significance.